The following is an entry in ClinVar:

NM_006514.4(SCN10A):c.406A>G (p.Ile136Val)

Gene: SCN10A (sodium voltage-gated channel alpha subunit 10; minus strand). Cytogenetic location: 3p22.2.
Variant type: single nucleotide variant.
Coding change: c.406A>G on transcript NM_006514.4 (MANE Select); coding-DNA position 406, A replaced by G.
Protein change: p.Ile136Val; replaces isoleucine 136 with valine.
Molecular consequence: missense variant.
Genome position (GRCh38, 1-based): chr3:38,789,020, T>C on the plus strand (A>G on the coding strand, the complement: SCN10A is on the minus strand). VCF-style: chr3-38789020-T-C. GRCh37 (hg19) VCF-style: chr3-38830511-T-C.
Other names: c.406A>G (NM_006514.3); c.406A>G, p.Ile136Val (NM_001293306.2, NM_001293307.2); short protein forms I136V.
Identifiers: ClinVar variation 1130397 (VCV001130397.11), dbSNP rs372138097, ClinGen allele CA2321214.

ClinVar aggregate classification (germline): Likely benign. Review status: criteria provided, multiple submitters, no conflicts (2 of 4 stars). 3 submissions from 3 submitters: Likely benign (2). 1 of the submissions does not count toward it. Last evaluated 2025-02-05.

Conditions:
SCN10A-related disorder. Also called: SCN10A-related condition.
Cardiovascular phenotype. Identifiers: MedGen CN230736.
Brugada syndrome. Also called: Sudden unexplained nocturnal death syndrome; Sudden Unexplained Death Syndrome; Sudden Unexplained Nocturnal Death Syndrome (SUNDS); Sudden unexpected nocturnal death syndrome. Identifiers: Orphanet 130, MedGen C1142166, MONDO:0015263.

Allele frequency attached by ClinVar (database versions not stated): gnomAD 0.00001 and 0.00007; TOPMed 0.00003; ESP Exome Variant Server 0.00008; ExAC 0.00028; gnomAD exomes 0.00030.
gnomAD v4.1: 231 of 1,611,104 alleles (0.014%); highest among the groups gnomAD compares: South Asian, 0.22%; 3 homozygotes.

Submissions (3):

Labcorp Genetics (formerly Invitae), Labcorp
Classification: Likely benign for Brugada syndrome. Last evaluated: 2025-02-05. Review status: criteria provided, single submitter. Criteria: Invitae Variant Classification Sherloc (09022015). Collection method: clinical testing. Allele origin: germline.

Ambry Genetics
Classification: Likely benign for Cardiovascular phenotype. Last evaluated: 2022-06-07. Review status: criteria provided, single submitter. Criteria: Ambry Variant Classification Scheme 2023. Collection method: clinical testing. Allele origin: germline.

PreventionGenetics, part of Exact Sciences
Classification: Likely benign for SCN10A-related condition. Last evaluated: 2019-11-18. Review status: no assertion criteria provided. Collection method: clinical testing. Allele origin: germline. Not counted in ClinVar's aggregate classification.
Comment: This variant is classified as likely benign based on ACMG/AMP sequence variant interpretation guidelines (Richards et al. 2015 PMID: 25741868, with internal and published modifications).